The following is an entry in ClinVar:

ClinVar aggregate classification (germline): Uncertain significance (1 of 4 stars; one submission).

Allele frequency attached by ClinVar (database versions not stated): gnomAD exomes below 0.00001.
gnomAD v4.1: 2 of 1,613,900 alleles (0.00012%); highest among the groups gnomAD compares: Non-Finnish European, 0.00017%; no homozygotes.

Submission:

Labcorp Genetics (formerly Invitae), Labcorp
Classification: Uncertain significance. Last evaluated: 2022-06-09. Review status: criteria provided, single submitter. Criteria: Invitae Variant Classification Sherloc (09022015). Collection method: clinical testing. Allele origin: germline.
Comment: This variant is not present in population databases (gnomAD no frequency). This sequence change replaces serine, which is neutral and polar, with glycine, which is neutral and non-polar, at codon 92 of the EEF2 protein (p.Ser92Gly). This variant has not been reported in the literature in individuals affected with EEF2-related conditions. In summary, the available evidence is currently insufficient to determine the role of this variant in disease. Therefore, it has been classified as a Variant of Uncertain Significance. Algorithms developed to predict the effect of sequence changes on RNA splicing suggest that this variant may create or strengthen a splice site. Algorithms developed to predict the effect of missense changes on protein structure and function (SIFT, PolyPhen-2, Align-GVGD) all suggest that this variant is likely to be tolerated.

NM_001961.4(EEF2):c.274A>G (p.Ser92Gly)

Gene: EEF2 (eukaryotic translation elongation factor 2; minus strand). Cytogenetic location: 19p13.3.
Variant type: single nucleotide variant.
Coding change: c.274A>G on transcript NM_001961.4 (MANE Select); coding-DNA position 274, A replaced by G.
Protein change: p.Ser92Gly; replaces serine 92 with glycine.
Molecular consequence: missense variant.
Genome position (GRCh38, 1-based): chr19:3,983,236, T>C on the plus strand (A>G on the coding strand, the complement: EEF2 is on the minus strand). VCF-style: chr19-3983236-T-C. GRCh37 (hg19) VCF-style: chr19-3983234-T-C.
Other names: short protein forms S92G.
Identifiers: ClinVar variation 1961202 (VCV001961202.5), dbSNP rs2512206989, ClinGen allele CA403395270.